The following is an entry in ClinVar:

ClinVar aggregate classification (germline): Uncertain significance. Review status: criteria provided, multiple submitters, no conflicts (2 of 4 stars). 3 submissions from 3 submitters: Uncertain significance (3). Last evaluated 2026-02-17.

Submissions (3):

GeneDx
Classification: Uncertain significance. Last evaluated: 2026-02-17. Review status: criteria provided, single submitter. Criteria: GeneDx Variant Classification Process June 2021. Collection method: clinical testing. Allele origin: germline. Affected: yes.
Comment: In-frame deletion of 1 amino acid in a non-repeat region; In silico analysis supports a deleterious effect on protein structure/function; This variant is associated with the following publications: (PMID: 37432431)

Labcorp Genetics (formerly Invitae), Labcorp
Classification: Uncertain significance. Last evaluated: 2025-12-15. Review status: criteria provided, single submitter. Criteria: Invitae Variant Classification Sherloc (09022015). Collection method: clinical testing. Allele origin: germline.
Comment: This variant, c.2101_2103del, results in the deletion of 1 amino acid(s) of the TELO2 protein (p.Phe701del), but otherwise preserves the integrity of the reading frame. This variant is present in population databases (rs773432577, gnomAD 0.02%). This variant has been observed in individual(s) with clinical features of You-Hoover-Fong syndrome (PMID: 37432431). ClinVar contains an entry for this variant (Variation ID: 1314493). Experimental studies and prediction algorithms are not available or were not evaluated, and the functional significance of this variant is currently unknown. In summary, the available evidence is currently insufficient to determine the role of this variant in disease. Therefore, it has been classified as a Variant of Uncertain Significance.

Greenwood Genetic Center Diagnostic Laboratories, Greenwood Genetic Center
Classification: Uncertain significance. Last evaluated: 2024-01-09. Review status: criteria provided, single submitter. Criteria: ACMG Guidelines, 2015. Collection method: clinical testing. Allele origin: germline. Affected: yes.
Comment: PM4

Literature cited by the submitters: PubMed 37432431 (cited by Labcorp Genetics (formerly Invitae), Labcorp).

NM_016111.4(TELO2):c.2095TTC[2] (p.Phe701del)

Gene: TELO2 (telomere maintenance 2; plus strand). Cytogenetic location: 16p13.3.
Variant type: Microsatellite.
Coding change: c.2095TTC[2] on transcript NM_016111.4 (MANE Select); two copies in a row of the 3-base unit TTC starting at c.2095; the reference has three copies in a row; one copy, 3 bases deleted; also written c.2101_2103del.
Protein change: p.Phe701del; deletes phenylalanine 701.
Molecular consequence: inframe deletion.
Genome position (GRCh38, 1-based): chr16:1,506,304-1,506,306, TTC deleted; deleting any 3 consecutive bases within chr16:1,506,297-1,506,306 gives the same sequence; the position shown is the placement nearest the transcript's 3' end. VCF-style (leftmost placement, unchanged base first): chr16-1506296-ACTT-A. GRCh37 (hg19) VCF-style: chr16-1556297-ACTT-A.
Other names: c.2095TTC[2], p.Phe701del (NM_001351846.2); c.2101_2103del (NM_016111.4); short protein forms F701del.
Identifiers: ClinVar variation 1314493 (VCV001314493.8), dbSNP rs773432577, ClinGen allele CA7812480.
Genomic context (GRCh38, chr16:1,506,296, plus strand): 5'-AGGGTGGCCCGAGGCAGGGCCCGGCAGGCAGCCCCAGCAGATTCAACTCCGTGGCCGGCC[ACTT>A]CTTCTTCCCCCTCCTTCAGCGCTTTGACAGGTGAGTGGGTTTTCCGTGGGCCTGTGGACT-3'